The following is an entry in ClinVar:

ClinVar aggregate classification (germline): Conflicting classifications of pathogenicity. Review status: criteria provided, conflicting classifications (1 of 4 stars). 5 submissions from 5 submitters: Uncertain significance (2); Likely benign (1). 2 of the submissions do not count toward it. Last evaluated 2026-10-01.

Conditions:
Hereditary cancer-predisposing syndrome. Also called: Neoplastic Syndromes, Hereditary; Tumor predisposition; Hereditary neoplastic syndrome; Hereditary Cancer Syndrome. Identifiers: Orphanet 140162, MedGen C0027672, MeSH D009386, MONDO:0015356.
Bloom syndrome (BLM). Also called: Bloom-Torre-Machacek syndrome. Identifiers: Orphanet 125, MedGen C0005859, MONDO:0008876, OMIM 210900.

Allele frequency attached by ClinVar (database versions not stated): gnomAD exomes 0.00001 and 0.00002; TOPMed 0.00001; ExAC 0.00001; gnomAD 0.00001.
gnomAD v4.1: 27 of 1,543,894 alleles (0.0017%); highest among the groups gnomAD compares: Non-Finnish European, 0.0023%; no homozygotes.

Submissions (5):

St. Jude Molecular Pathology, St. Jude Children's Research Hospital
Classification: Uncertain significance for Bloom syndrome. Last evaluated: 2026-10-01. Review status: criteria provided, single submitter. Criteria: St. Jude Assertion Criteria 2020. Collection method: clinical testing. Allele origin: germline.
Comment: The BLM c.1741A>G p.(Thr581Ala) missense change has a maximum subpopulation frequency of 0.001% in gnomAD v2.1.1. The in silico tool REVEL predicts a benign effect on protein fu nction, but to our knowledge this prediction has not been confirmed by functional studies. To our knowledge, this variant has not been reported in individuals with Bloom syndrome. In summary, the evidence currently available is insufficient to determine the clinical significance of this variant. It has therefore been classified as of uncertain significance.

Labcorp Genetics (formerly Invitae), Labcorp
Classification: Uncertain significance for Bloom syndrome. Last evaluated: 2025-01-21. Review status: criteria provided, single submitter. Criteria: Invitae Variant Classification Sherloc (09022015). Collection method: clinical testing. Allele origin: germline.
Comment: This sequence change replaces threonine, which is neutral and polar, with alanine, which is neutral and non-polar, at codon 581 of the BLM protein (p.Thr581Ala). This variant is present in population databases (rs587778108, gnomAD 0.001%). This variant has not been reported in the literature in individuals affected with BLM-related conditions. ClinVar contains an entry for this variant (Variation ID: 133713). Invitae Evidence Modeling of protein sequence and biophysical properties (such as structural, functional, and spatial information, amino acid conservation, physicochemical variation, residue mobility, and thermodynamic stability) indicates that this missense variant is not expected to disrupt BLM protein function with a negative predictive value of 80%. In summary, the available evidence is currently insufficient to determine the role of this variant in disease. Therefore, it has been classified as a Variant of Uncertain Significance.

Ambry Genetics
Classification: Likely benign for Hereditary cancer-predisposing syndrome. Last evaluated: 2024-01-16. Review status: criteria provided, single submitter. Criteria: Ambry Variant Classification Scheme 2023. Collection method: clinical testing. Allele origin: germline.

Natera, Inc.
Classification: Uncertain significance for Bloom syndrome. Last evaluated: 2020-09-16. Review status: no assertion criteria provided. Collection method: clinical testing. Allele origin: germline. Not counted in ClinVar's aggregate classification.

ITMI
No classification provided. Condition: AllHighlyPenetrant. Last evaluated: 2013-09-19. Review status: no classification provided. Collection method: reference population. Allele origin: germline. Not counted in ClinVar's aggregate classification.
Comment: Please see associated publication for description of ethnicities

Literature cited by the submitters: PubMed 24728327 (cited by ITMI).

NM_000057.4(BLM):c.1741A>G (p.Thr581Ala)

Gene: BLM (BLM RecQ like helicase; plus strand). Cytogenetic location: 15q26.1.
Variant type: single nucleotide variant.
Coding change: c.1741A>G on transcript NM_000057.4 (MANE Select); coding-DNA position 1741, A replaced by G.
Protein change: p.Thr581Ala; replaces threonine 581 with alanine.
Molecular consequence: missense variant.
Genome position (GRCh38, 1-based): chr15:90,761,114, A>G. VCF-style: chr15-90761114-A-G. GRCh37 (hg19) VCF-style: chr15-91304344-A-G.
Other names: c.1741A>G, p.Thr581Ala (NM_001287246.2, NM_001287247.2); c.616A>G, p.Thr206Ala (NM_001287248.2); short protein forms T581A, T206A.
Identifiers: ClinVar variation 133713 (VCV000133713.12), dbSNP rs587778108, ClinGen allele CA157442.